The following is an entry in ClinVar:

NM_001008216.2(GALE):c.31G>T (p.Ala11Ser)

Gene: GALE (UDP-galactose-4-epimerase; minus strand). Cytogenetic location: 1p36.11.
Variant type: single nucleotide variant.
Coding change: c.31G>T on transcript NM_001008216.2 (MANE Select); coding-DNA position 31, G replaced by T.
Protein change: p.Ala11Ser; replaces alanine 11 with serine.
Molecular consequence: missense variant.
Genome position (GRCh38, 1-based): chr1:23,798,977, C>A on the plus strand (G>T on the coding strand, the complement: GALE is on the minus strand). VCF-style: chr1-23798977-C-A. GRCh37 (hg19) VCF-style: chr1-24125467-C-A.
Other names: c.31G>T, p.Ala11Ser (NM_000403.4, NM_001127621.2); short protein forms A11S.
Identifiers: ClinVar variation 845001 (VCV000845001.8), dbSNP rs754850112, ClinGen allele CA339016278.

ClinVar aggregate classification (germline): Uncertain significance (1 of 4 stars; one submission).

Conditions:
UDPglucose-4-epimerase deficiency. Also called: UDP-GALACTOSE-4-EPIMERASE DEFICIENCY; Galactose epimerase deficiency; GALACTOSEMIA III; GALE DEFICIENCY; Epimerase Deficiency Galactosemia; UDPglucose 4-Epimerase Deficiency Disease. Identifiers: Orphanet 352, Orphanet 79238, MedGen C0751161, MONDO:0009257, OMIM 230350.

Allele frequency attached by ClinVar (database versions not stated): TOPMed 0.00002.
gnomAD v4.1: 5 of 1,614,094 alleles (0.00031%); highest among the groups gnomAD compares: Admixed American, 0.0033%; no homozygotes.

Submission:

Labcorp Genetics (formerly Invitae), Labcorp
Classification: Uncertain significance for UDPglucose-4-epimerase deficiency. Last evaluated: 2024-10-26. Review status: criteria provided, single submitter. Criteria: Invitae Variant Classification Sherloc (09022015). Collection method: clinical testing. Allele origin: germline.
Comment: This sequence change replaces alanine, which is neutral and non-polar, with serine, which is neutral and polar, at codon 11 of the GALE protein (p.Ala11Ser). This variant is not present in population databases (gnomAD no frequency). This variant has not been reported in the literature in individuals affected with GALE-related conditions. ClinVar contains an entry for this variant (Variation ID: 845001). Invitae Evidence Modeling of protein sequence and biophysical properties (such as structural, functional, and spatial information, amino acid conservation, physicochemical variation, residue mobility, and thermodynamic stability) indicates that this missense variant is not expected to disrupt GALE protein function with a negative predictive value of 80%. In summary, the available evidence is currently insufficient to determine the role of this variant in disease. Therefore, it has been classified as a Variant of Uncertain Significance.